The following is an entry in ClinVar:

NM_024649.5(BBS1):c.1537C>T (p.Pro513Ser)

Genes: BBS1 (Bardet-Biedl syndrome 1; plus strand), ZDHHC24 (zDHHC palmitoyltransferase 24; minus strand). Cytogenetic location: 11q13.2.
Variant type: single nucleotide variant.
Coding change: c.1537C>T on transcript NM_024649.5 (MANE Select); coding-DNA position 1537, C replaced by T.
Protein change: p.Pro513Ser; replaces proline 513 with serine.
Molecular consequence: missense variant. On other transcripts: intron variant (1).
Genome position (GRCh38, 1-based): chr11:66,530,957, C>T. VCF-style: chr11-66530957-C-T. GRCh37 (hg19) VCF-style: chr11-66298428-C-T.
Other names: c.560-1469G>A (NM_001348571.2); short protein forms P513S.
Identifiers: ClinVar variation 4998198 (VCV004998198.1).

ClinVar aggregate classification (germline): Uncertain significance (1 of 4 stars; one submission).

Conditions:
BBS1-related disorder. Also called: BBS1-related condition.

gnomAD v4.1: 5 of 1,614,258 alleles (0.00031%); highest among the groups gnomAD compares: Non-Finnish European, 0.00042%; no homozygotes.

Submission:

PreventionGenetics, part of Exact Sciences
Classification: Uncertain significance for BBS1-related condition. Last evaluated: 2025-05-22. Review status: criteria provided, single submitter. Criteria: ACMG Guidelines, 2015. Collection method: clinical testing. Allele origin: germline.
Comment: The BBS1 c.1537C>T variant is predicted to result in the amino acid substitution p.Pro513Ser. To our knowledge, this variant has not been reported in the literature or in a large population database (gnomAD), indicating this variant is rare. At this time, the clinical significance of this variant is uncertain due to the absence of conclusive functional and genetic evidence.